The following is an entry in ClinVar:

NM_205834.4(LSR):c.1394C>T (p.Pro465Leu)

Gene: LSR (lipolysis stimulated lipoprotein receptor; plus strand). Cytogenetic location: 19q13.12.
Variant type: single nucleotide variant.
Coding change: c.1394C>T on transcript NM_205834.4 (MANE Select); coding-DNA position 1394, C replaced by T.
Protein change: p.Pro465Leu; replaces proline 465 with leucine.
Molecular consequence: missense variant.
Genome position (GRCh38, 1-based): chr19:35,267,358, C>T. VCF-style: chr19-35267358-C-T. GRCh37 (hg19) VCF-style: chr19-35758261-C-T.
Other names: c.1334C>T, p.Pro445Leu (NM_001260489.2); c.1070C>T, p.Pro357Leu (NM_001260490.2); c.1187C>T, p.Pro396Leu (NM_001385215.1); c.1337C>T, p.Pro446Leu (NM_015925.7); c.1190C>T, p.Pro397Leu (NM_205835.4); short protein forms P357L, P446L, P465L, P396L, P397L, P445L.
Identifiers: ClinVar variation 3696209 (VCV003696209.2).

ClinVar aggregate classification (germline): Uncertain significance (1 of 4 stars; one submission).

gnomAD v4.1: 5 of 1,533,058 alleles (0.00033%); highest among the groups gnomAD compares: Non-Finnish European, 0.00026%; no homozygotes.

Submission:

Labcorp Genetics (formerly Invitae), Labcorp
Classification: Uncertain significance. Last evaluated: 2025-08-27. Review status: criteria provided, single submitter. Criteria: Invitae Variant Classification Sherloc (09022015). Collection method: clinical testing. Allele origin: germline.
Comment: This sequence change replaces proline, which is neutral and non-polar, with leucine, which is neutral and non-polar, at codon 513 of the LSR protein (p.Pro513Leu). This variant is not present in population databases (gnomAD no frequency). This variant has not been reported in the literature in individuals affected with LSR-related conditions. ClinVar contains an entry for this variant (Variation ID: 3696209). An algorithm developed to predict the effect of missense changes on protein structure and function (PolyPhen-2) suggests that this variant is likely to be disruptive. In summary, the available evidence is currently insufficient to determine the role of this variant in disease. Therefore, it has been classified as a Variant of Uncertain Significance.